The following is an entry in ClinVar:

NM_001298.3(CNGA3):c.1063A>G (p.Ser355Gly)

Gene: CNGA3 (cyclic nucleotide gated channel subunit alpha 3; plus strand). Cytogenetic location: 2q11.2.
Variant type: single nucleotide variant.
Coding change: c.1063A>G on transcript NM_001298.3 (MANE Select); coding-DNA position 1063, A replaced by G.
Protein change: p.Ser355Gly; replaces serine 355 with glycine.
Molecular consequence: missense variant.
Genome position (GRCh38, 1-based): chr2:98,396,233, A>G. VCF-style: chr2-98396233-A-G. GRCh37 (hg19) VCF-style: chr2-99012696-A-G.
Other names: c.1009A>G, p.Ser337Gly (NM_001079878.2); short protein forms S337G, S355G.
Identifiers: ClinVar variation 1064462 (VCV001064462.4), dbSNP rs748583869, ClinGen allele CA1793940.

ClinVar aggregate classification (germline): Pathogenic. Review status: criteria provided, single submitter (1 of 4 stars). 2 submissions from 2 submitters: Pathogenic (1). 1 of the submissions does not count toward it. Last evaluated 2025-01-05.

Conditions:
Achromatopsia 2 (ACHM2). Also called: COLORBLINDNESS, TOTAL; ROD MONOCHROMACY 2; ROD MONOCHROMATISM 2. Identifiers: Orphanet 49382, MedGen C1857618, MONDO:0009003, OMIM 216900.

Allele frequency attached by ClinVar (database versions not stated): ExAC 0.00001; gnomAD exomes 0.00001.
gnomAD v4.1: 3 of 1,614,120 alleles (0.00019%); no homozygotes.

Submissions (2):

Labcorp Genetics (formerly Invitae), Labcorp
Classification: Pathogenic. Last evaluated: 2025-01-05. Review status: criteria provided, single submitter. Criteria: Invitae Variant Classification Sherloc (09022015). Collection method: clinical testing. Allele origin: germline.
Comment: This sequence change replaces serine, which is neutral and polar, with glycine, which is neutral and non-polar, at codon 355 of the CNGA3 protein (p.Ser355Gly). This variant is present in population databases (rs748583869, gnomAD 0.01%). This missense change has been observed in individual(s) with achromatopsia (PMID: 35332618; internal data). In at least one individual the data is consistent with being in trans (on the opposite chromosome) from a pathogenic variant. It has also been observed to segregate with disease in related individuals. ClinVar contains an entry for this variant (Variation ID: 1064462). Invitae Evidence Modeling of protein sequence and biophysical properties (such as structural, functional, and spatial information, amino acid conservation, physicochemical variation, residue mobility, and thermodynamic stability) has been performed for this missense variant. However, the output from this modeling did not meet the statistical confidence thresholds required to predict the impact of this variant on CNGA3 protein function. For these reasons, this variant has been classified as Pathogenic.

Molecular Genetics Laboratory, Institute for Ophthalmic Research
Classification: Likely pathogenic for Achromatopsia 2. Last evaluated: 2021-04-15. Review status: no assertion criteria provided. Collection method: research. Allele origin: germline. Affected: yes. Not counted in ClinVar's aggregate classification.

Literature cited by the submitters: PubMed 35332618 (cited by Labcorp Genetics (formerly Invitae), Labcorp).